The following is an entry in ClinVar:

ClinVar aggregate classification (germline): Uncertain significance. Review status: criteria provided, multiple submitters, no conflicts (2 of 4 stars). 3 submissions from 3 submitters: Uncertain significance (3). Last evaluated 2025-07-23.

Conditions:
Cardiovascular phenotype. Identifiers: MedGen CN230736.
Brugada syndrome 5 (BRGDA5). Identifiers: Orphanet 130, Orphanet 871, MedGen C2748541, MONDO:0013015, OMIM 612838.

Allele frequency attached by ClinVar (database versions not stated): gnomAD 0.00001.
gnomAD v4.1: 4 of 1,614,012 alleles (0.00025%); highest among the groups gnomAD compares: African/African-American, 0.004%; no homozygotes.

Submissions (3):

Labcorp Genetics (formerly Invitae), Labcorp
Classification: Uncertain significance for Brugada syndrome 5. Last evaluated: 2025-07-23. Review status: criteria provided, single submitter. Criteria: Invitae Variant Classification Sherloc (09022015). Collection method: clinical testing. Allele origin: germline.
Comment: This sequence change replaces glycine, which is neutral and non-polar, with serine, which is neutral and polar, at codon 150 of the SCN1B protein (p.Gly150Ser). This variant is not present in population databases (gnomAD no frequency). This variant has not been reported in the literature in individuals affected with SCN1B-related conditions. ClinVar contains an entry for this variant (Variation ID: 1437657). An algorithm developed to predict the effect of missense changes on protein structure and function (PolyPhen-2) suggests that this variant is likely to be disruptive. Algorithms developed to predict the effect of sequence changes on RNA splicing suggest that this variant may create or strengthen a splice site. In summary, the available evidence is currently insufficient to determine the role of this variant in disease. Therefore, it has been classified as a Variant of Uncertain Significance.

Ambry Genetics
Classification: Uncertain significance for Cardiovascular phenotype. Last evaluated: 2024-06-10. Review status: criteria provided, single submitter. Criteria: Ambry Variant Classification Scheme 2023. Collection method: clinical testing. Allele origin: germline.
Comment: The p.A150T variant (also known as c.448G>A), located in coding exon 3 of the SCN1B gene, results from a G to A substitution at nucleotide position 448. The amino acid change results in alanine to threonine at codon 150, an amino acid with similar properties. However, this change occurs in the last base pair of coding exon 3, which makes it likely to have some effect on normal mRNA splicing. This nucleotide position is highly conserved in available vertebrate species. In silico splice site analysis predicts that this alteration will result in the creation or strengthening of a novel splice donor site. This amino acid position is highly conserved in available vertebrate species. In addition, as a missense substitution this is predicted to be deleterious by in silico analysis. Since supporting evidence is limited at this time, the clinical significance of this alteration remains unclear.

GeneDx
Classification: Uncertain significance. Last evaluated: 2024-01-30. Review status: criteria provided, single submitter. Criteria: GeneDx Variant Classification Process June 2021. Collection method: clinical testing. Allele origin: germline. Affected: yes.
Comment: Not observed at significant frequency in large population cohorts (gnomAD); In silico analysis supports that this missense variant has a deleterious effect on protein structure/function; In silico analysis supports a deleterious effect on splicing; Has not been previously published as pathogenic or benign to our knowledge

NM_001037.5(SCN1B):c.448G>A (p.Ala150Thr)

Gene: SCN1B (sodium voltage-gated channel beta subunit 1; plus strand). Cytogenetic location: 19q13.11.
Variant type: single nucleotide variant.
Coding change: c.448G>A on transcript NM_001037.5 (MANE Select); coding-DNA position 448, G replaced by A.
Protein change: p.Ala150Thr; replaces alanine 150 with threonine.
Molecular consequence: missense variant.
Genome position (GRCh38, 1-based): chr19:35,033,739, G>A. VCF-style: chr19-35033739-G-A. GRCh37 (hg19) VCF-style: chr19-35524643-G-A.
Other names: c.349G>A, p.Ala117Thr (NM_001321605.2); c.448G>A, p.Gly150Ser (NM_199037.5); short protein forms A117T, G150S, A150T.
Identifiers: ClinVar variation 1437657 (VCV001437657.10), dbSNP rs1034016541, ClinGen allele CA307703699.